The following is an entry in ClinVar:

ClinVar aggregate classification (germline): Uncertain significance (1 of 4 stars; one submission).

Conditions:
Glutamate formiminotransferase deficiency. Also called: Arakawa syndrome 1; Formiminoglutamic aciduria. Identifiers: Orphanet 51208, MedGen C0268609, MONDO:0009240, OMIM 229100.

Submission:

Labcorp Genetics (formerly Invitae), Labcorp
Classification: Uncertain significance for Glutamate formiminotransferase deficiency. Last evaluated: 2022-06-28. Review status: criteria provided, single submitter. Criteria: Invitae Variant Classification Sherloc (09022015). Collection method: clinical testing. Allele origin: germline.
Comment: This variant has not been reported in the literature in individuals affected with FTCD-related conditions. This variant, c.1314_1316del, results in the deletion of 1 amino acid(s) of the FTCD protein (p.Ala439del), but otherwise preserves the integrity of the reading frame. This variant is not present in population databases (gnomAD no frequency). Experimental studies and prediction algorithms are not available or were not evaluated, and the functional significance of this variant is currently unknown. In summary, the available evidence is currently insufficient to determine the role of this variant in disease. Therefore, it has been classified as a Variant of Uncertain Significance.

NM_206965.2(FTCD):c.1311GGC[1] (p.Ala439del)

Gene: FTCD (formimidoyltransferase cyclodeaminase; minus strand). Cytogenetic location: 21q22.3.
Variant type: Microsatellite.
Coding change: c.1311GGC[1] on transcript NM_206965.2 (MANE Select); one copy of the 3-base unit GGC starting at c.1311; the reference has two copies in a row; one copy, 3 bases deleted.
Protein change: p.Ala439del; deletes alanine 439.
Molecular consequence: inframe deletion.
Genome position (GRCh38, 1-based): chr21:46,138,635-46,138,637, GCC deleted on the plus strand (GGC on the coding strand, the reverse complement: FTCD is on the minus strand); deleting any 3 consecutive bases within chr21:46,138,635-46,138,641 gives the same sequence; the position shown is the placement nearest the transcript's 3' end. VCF-style (leftmost placement, unchanged base first): chr21-46138634-GGCC-G. GRCh37 (hg19) VCF-style: chr21-47558548-GGCC-G.
Other names: c.1311GGC[1], p.Ala439del (NM_001320412.2, NM_006657.3); short protein forms A439del.
Identifiers: ClinVar variation 1376953 (VCV001376953.6), dbSNP rs2123482286, ClinGen allele CA2580615224.